The following is an entry in ClinVar:

NM_000368.5(TSC1):c.1858_1859del (p.Val620fs)

Gene: TSC1 (TSC complex subunit 1; minus strand). Cytogenetic location: 9q34.13.
Variant type: Deletion.
Coding change: c.1858_1859del on transcript NM_000368.5 (MANE Select); coding-DNA positions 1858 to 1859, 2 bases deleted (GT; older notation c.1858_1859delGT).
Protein change: p.Val620fs; shifts the reading frame from valine 620.
Molecular consequence: frameshift variant.
Genome position (GRCh38, 1-based): chr9:132,905,719-132,905,720, AC deleted on the plus strand (GT on the coding strand, the reverse complement: TSC1 is on the minus strand); deleting any 2 consecutive bases within chr9:132,905,719-132,905,721 gives the same sequence; the c. name uses the placement nearest the transcript's 3' end. VCF-style (leftmost placement, unchanged base first): chr9-132905718-GAC-G. GRCh37 (hg19) VCF-style: chr9-135781105-GAC-G.
Other names: c.1855_1856del, p.Val619fs (NM_001162426.2); c.1705_1706del, p.Val569fs (NM_001162427.2); c.1495_1496del, p.Val499fs (NM_001362177.2); short protein forms V499fs, V619fs, V569fs, V620fs.
Identifiers: ClinVar variation 938973 (VCV000938973.1), dbSNP rs1845617102, ClinGen allele CA1139661278.

ClinVar aggregate classification (germline): Pathogenic (1 of 4 stars; one submission).

Conditions:
Tuberous sclerosis 1 (TSC1). Identifiers: Orphanet 805, MedGen C1854465, MONDO:0008612, OMIM 191100.

Submission:

Labcorp Genetics (formerly Invitae), Labcorp
Classification: Pathogenic for Tuberous sclerosis 1. Last evaluated: 2019-10-23. Review status: criteria provided, single submitter. Criteria: Invitae Variant Classification Sherloc (09022015). Collection method: clinical testing. Allele origin: germline.
Comment: This sequence change creates a premature translational stop signal (p.Val620Hisfs*5) in the TSC1 gene. It is expected to result in an absent or disrupted protein product. This variant is not present in population databases (ExAC no frequency). This variant has not been reported in the literature in individuals with TSC1-related conditions. Loss-of-function variants in TSC1 are known to be pathogenic (PMID: 10227394, 17304050). For these reasons, this variant has been classified as Pathogenic.